The following is an entry in ClinVar:

ClinVar aggregate classification (germline): Likely pathogenic (1 of 4 stars; one submission).

Conditions:
PTCD3-related disorder. Also called: PTCD3-related condition.

Allele frequency attached by ClinVar (database versions not stated): gnomAD 0.00001.
gnomAD v4.1: 24 of 1,608,628 alleles (0.0015%); highest among the groups gnomAD compares: Non-Finnish European, 0.002%; no homozygotes.

Submission:

PreventionGenetics, part of Exact Sciences
Classification: Likely pathogenic for PTCD3-related condition. Last evaluated: 2022-11-17. Review status: criteria provided, single submitter. Criteria: ACMG Guidelines, 2015. Collection method: clinical testing. Allele origin: germline.
Comment: The PTCD3 c.1148-2A>G variant is predicted to disrupt the AG splice acceptor site and interfere with normal splicing. To our knowledge, this variant has not been reported in the literature. This variant is reported in 0.0027% of alleles in individuals of European (Non-Finnish) descent in gnomAD. Variants that disrupt the consensus splice acceptor site in PTCD3 are expected to be pathogenic. This variant is interpreted as likely pathogenic.

NM_017952.6(PTCD3):c.1148-2A>G

Gene: PTCD3 (pentatricopeptide repeat domain 3; plus strand). Cytogenetic location: 2p11.2.
Variant type: single nucleotide variant.
Coding change: c.1148-2A>G on transcript NM_017952.6 (MANE Select); the canonical splice acceptor site of the intron before coding-DNA position 1148, A replaced by G.
Molecular consequence: splice acceptor variant.
Genome position (GRCh38, 1-based): chr2:86,130,646, A>G. VCF-style: chr2-86130646-A-G. GRCh37 (hg19) VCF-style: chr2-86357769-A-G.
Identifiers: ClinVar variation 2629227 (VCV002629227.1), dbSNP rs776660221, ClinGen allele CA51348775.